The following is an entry in ClinVar:

NM_001267550.2(TTN):c.20743G>T (p.Ala6915Ser)

Gene: TTN (titin; minus strand). Cytogenetic location: 2q31.2.
Variant type: single nucleotide variant.
Coding change: c.20743G>T on transcript NM_001267550.2 (MANE Select); coding-DNA position 20743, G replaced by T.
Protein change: p.Ala6915Ser; replaces alanine 6915 with serine.
Molecular consequence: missense variant. On other transcripts: intron variant (3).
Genome position (GRCh38, 1-based): chr2:178,725,461, C>A on the plus strand (G>T on the coding strand, the complement: TTN is on the minus strand). VCF-style: chr2-178725461-C-A. GRCh37 (hg19) VCF-style: chr2-179590188-C-A.
Other names: c.13282+12621G>T (NM_003319.4); c.13858+12621G>T (NM_133437.4); c.13657+12621G>T (NM_133432.3); c.19792G>T, p.Ala6598Ser (NM_001256850.1); c.17011G>T, p.Ala5671Ser (NM_133378.4); short protein forms A5671S, A6915S, A6598S.
Identifiers: ClinVar variation 178245 (VCV000178245.34), dbSNP rs201728165, ClinGen allele CA181898.

ClinVar aggregate classification (germline): Conflicting classifications of pathogenicity. Review status: criteria provided, conflicting classifications (1 of 4 stars). 9 submissions from 9 submitters: Uncertain significance (4); Likely benign (5). Last evaluated 2026-05-26.

Conditions:
Dilated cardiomyopathy 1G (CMD1G). Identifiers: Orphanet 154, MedGen C1858763, MONDO:0011400, OMIM 604145.
Autosomal recessive limb-girdle muscular dystrophy type 2J (LGMDR10). Also called: Limb-girdle muscular dystrophy, type 2J; MUSCULAR DYSTROPHY, LIMB-GIRDLE, AUTOSOMAL RECESSIVE 10. Identifiers: Orphanet 140922, MedGen C1837342, MONDO:0012127, OMIM 608807.
TTN-related disorder. Also called: TTN-related condition; TTN-related disease; TTN-related disorders.

Allele frequency attached by ClinVar (database versions not stated): 1000 Genomes Project 30x 0.00078; gnomAD exomes 0.00003 and 0.00007; ExAC 0.00008; gnomAD 0.00038 and 0.00041; TOPMed 0.00040; ESP Exome Variant Server 0.00050; 1000 Genomes Project 0.00060.
gnomAD v4.1: 100 of 1,612,938 alleles (0.0062%); highest among the groups gnomAD compares: African/African-American, 0.12%; no homozygotes.

Submissions (9):

Women's Health and Genetics/Laboratory Corporation of America, LabCorp
Classification: Likely benign. Last evaluated: 2026-05-26. Review status: criteria provided, single submitter. Criteria: LabCorp Variant Classification Summary - May 2015. Collection method: clinical testing. Allele origin: germline.
Comment: Variant summary: TTN c.17011G>T (p.Ala5671Ser) results in a conservative amino acid change located in the I-band region of the encoded protein sequence. Algorithms developed to predict the effect of missense changes on protein structure and function are either unavailable or do not agree on the potential impact of this missense change. The variant allele was found at a frequency of 0.00011 in 279440 control chromosomes, predominantly at a frequency of 0.0013 within the African or African-American subpopulation in the gnomAD database. The observed variant frequency within African or African-American control individuals in the gnomAD database exceeds the estimated maximal expected allele frequency for disease-causing variants in TTN. The variant, c.17011G>T has been observed in a sudden cardiac death cohort in one subject who also carried other variants in cardiac-related genes (Campuzano_2014). This report does not provide unequivocal conclusions about association of the variant with disease. To our knowledge, no experimental evidence demonstrating an impact on protein function has been reported. The following publication has been ascertained in the context of this evaluation (PMID: 25447171). ClinVar contains an entry for this variant (Variation ID: 178245). Based on the evidence outlined above, the variant was classified as likely benign.

PreventionGenetics, part of Exact Sciences
Classification: Uncertain significance for TTN-related condition. Last evaluated: 2026-02-24. Review status: criteria provided, single submitter. Criteria: ACMG Guidelines, 2015. Collection method: clinical testing. Allele origin: germline.
Comment: The TTN c.20743G>T variant is predicted to result in the amino acid substitution p.Ala6915Ser. This variant has been reported in a case of sudden cardiac death (described as p.A5671S in case #16, Campuzano et al. 2014. PubMed ID: 25447171). However, this individual also harbored additional variants, including two other TTN missense variants. This variant is reported in 0.13% of alleles in individuals of African descent in gnomAD, which may be too frequent to be a primary cause of disease. Although we suspect that this variant may be benign, at this time, the clinical significance of this variant is uncertain due to the absence of conclusive functional and genetic evidence.

Labcorp Genetics (formerly Invitae), Labcorp
Classification: Likely benign for Dilated cardiomyopathy 1G; Autosomal recessive limb-girdle muscular dystrophy type 2J. Last evaluated: 2026-01-28. Review status: criteria provided, single submitter. Criteria: Invitae Variant Classification Sherloc (09022015). Collection method: clinical testing. Allele origin: germline.

Revvity Omics, Revvity
Classification: Uncertain significance. Last evaluated: 2023-06-30. Review status: criteria provided, single submitter. Criteria: ACMG Guidelines, 2015. Collection method: clinical testing. Allele origin: germline.

Blueprint Genetics
Classification: Likely benign. Last evaluated: 2022-07-08. Review status: criteria provided, single submitter. Criteria: ACMG Guidelines, 2015. Collection method: clinical testing. Allele origin: germline.

GeneDx
Classification: Likely benign. Last evaluated: 2021-04-14. Review status: criteria provided, single submitter. Criteria: GeneDx Variant Classification Process June 2021. Collection method: clinical testing. Allele origin: germline. Affected: yes.
Comment: This variant is associated with the following publications: (PMID: 25447171)

Eurofins Ntd Llc (ga)
Classification: Uncertain significance. Last evaluated: 2017-11-21. Review status: criteria provided, single submitter. Criteria: EGL Classification Definitions 2015. Collection method: clinical testing. Allele origin: germline. Observed: 1 variant allele, 1 heterozygote.

Laboratory for Molecular Medicine, Mass General Brigham Personalized Medicine
Classification: Likely benign. Last evaluated: 2014-08-22. Review status: criteria provided, single submitter. Criteria: LMM Criteria. Collection method: clinical testing. Allele origin: germline. Observed: 2 variant alleles.
Comment: Ala5671Ser in exon 68 of TTN: This variant is not expected to have clinical sign ificance due to a lack of conservation across species, including mammals. Of not e, 4 mammals (Tibetan antelope, cow, sheep and domestic goat) and 2 fish (stickl eback and atlantic cod) have a serine (Ser) at this position despite high nearby amino acid conservation. In addition, this variant has been identified in 0.2% (6/3820) of African American chromosomes by the NHLBI Exome Sequencing Project (dbSNP rs201728165).

Genetic Services Laboratory, University of Chicago
Classification: Uncertain significance. Last evaluated: 2014-04-29. Review status: criteria provided, single submitter. Criteria: ACMG Guidelines, 2007. Collection method: clinical testing. Allele origin: germline.

Literature cited by the submitters: PubMed 25447171 (cited by Women's Health and Genetics/Laboratory Corporation of America, LabCorp).